The following is an entry in ClinVar:

NM_000379.4(XDH):c.1936A>G (p.Ile646Val)

Gene: XDH (xanthine dehydrogenase; minus strand). Cytogenetic location: 2p23.1.
Variant type: single nucleotide variant.
Coding change: c.1936A>G on transcript NM_000379.4 (MANE Select); coding-DNA position 1936, A replaced by G.
Protein change: p.Ile646Val; replaces isoleucine 646 with valine.
Molecular consequence: missense variant.
Genome position (GRCh38, 1-based): chr2:31,370,399, T>C on the plus strand (A>G on the coding strand, the complement: XDH is on the minus strand). VCF-style: chr2-31370399-T-C. GRCh37 (hg19) VCF-style: chr2-31593265-T-C.
Other names: short protein forms I646V.
Identifiers: ClinVar variation 335777 (VCV000335777.24), dbSNP rs17323225, ClinGen allele CA1599029.

ClinVar aggregate classification (germline): Benign/Likely benign. Review status: criteria provided, multiple submitters, no conflicts (2 of 4 stars). 6 submissions from 6 submitters: Benign (3); Likely benign (3). Last evaluated 2026-01-28.

Conditions:
Xanthinuria type II. Also called: Xanthine dehydrogenase and aldehyde oxidase combined deficiency of; XDH and AOX dual deficiency. Identifiers: Orphanet 3467, Orphanet 93602, MedGen C1863688, MONDO:0011346, OMIM 603592.
Hereditary xanthinuria type 1 (XAN1). Identifiers: Orphanet 3467, Orphanet 93601, MedGen C0268118, MONDO:0010209, OMIM 278300.

Allele frequency attached by ClinVar (database versions not stated): 1000 Genomes Project 30x 0.01874; 1000 Genomes Project 0.01937; TOPMed 0.02135; gnomAD 0.02243 and 0.02268; ESP Exome Variant Server 0.02476.
gnomAD v4.1: 48,379 of 1,614,194 alleles (3%); highest among the groups gnomAD compares: Middle Eastern, 4.4%; 856 homozygotes.

Submissions (16):

Labcorp Genetics (formerly Invitae), Labcorp
Classification: Benign for Xanthinuria type II. Last evaluated: 2026-01-28. Review status: criteria provided, single submitter. Criteria: Invitae Variant Classification Sherloc (09022015). Collection method: clinical testing. Allele origin: germline.

GeneDx
Classification: Likely benign. Last evaluated: 2025-06-17. Review status: criteria provided, single submitter. Criteria: GeneDx Variant Classification Process June 2021. Collection method: clinical testing. Allele origin: germline. Affected: yes.
Comment: See Variant Classification Assertion Criteria.

Mayo Clinic Laboratories, Mayo Clinic
Classification: Benign. Last evaluated: 2023-01-09. Review status: criteria provided, single submitter. Criteria: ACMG Guidelines, 2015. Collection method: clinical testing. Allele origin: germline. Observed: 7 variant alleles.
Comment: BS1, BS2, BP4

Genome-Nilou Lab
Classification: Benign for Hereditary xanthinuria type 1. Last evaluated: 2021-12-05. Review status: criteria provided, single submitter. Criteria: ACMG Guidelines, 2015. Collection method: clinical testing. Allele origin: germline. Affected: no.

Illumina Laboratory Services, Illumina
Classification: Likely benign for Hereditary xanthinuria type 1. Last evaluated: 2017-04-27. Review status: criteria provided, single submitter. Criteria: ICSL Variant Classification Criteria 13 December 2019. Collection method: clinical testing. Allele origin: germline.
Comment: This variant was observed as part of a predisposition screen in an ostensibly healthy population. A literature search was performed for the gene, cDNA change, and amino acid change (where applicable). No publications were found based on this search. Allele frequency data from public databases allowed determination this variant is unlikely to cause disease. Therefore, this variant is classified as likely benign.

Breakthrough Genomics
Classification: Likely benign. Review status: criteria provided, single submitter. Criteria: ACMG Guidelines, 2015. Collection method: not provided. Allele origin: germline. Inheritance: Autosomal recessive inheritance. Affected: yes.

Dr. Peter K. Rogan Lab, Western University
No classification provided (evidence only). Condition: Lung cancer. Review status: no classification provided. Collection method: in vitro. Allele origin: not applicable. Functional consequence: retained intron. Not counted in ClinVar's aggregate classification.

Dr. Peter K. Rogan Lab, Western University
No classification provided (evidence only). Condition: Lung cancer. Review status: no classification provided. Collection method: in vitro. Allele origin: not applicable. Functional consequence: retained intron. Not counted in ClinVar's aggregate classification.

Dr. Peter K. Rogan Lab, Western University
No classification provided (evidence only). Condition: Colon adenocarcinoma. Review status: no classification provided. Collection method: in vitro. Allele origin: not applicable. Functional consequence: retained intron. Not counted in ClinVar's aggregate classification.

Dr. Peter K. Rogan Lab, Western University
No classification provided (evidence only). Condition: Colorectal cancer. Review status: no classification provided. Collection method: in vitro. Allele origin: not applicable. Functional consequence: retained intron. Not counted in ClinVar's aggregate classification.

Dr. Peter K. Rogan Lab, Western University
No classification provided (evidence only). Condition: Cervical cancer. Review status: no classification provided. Collection method: in vitro. Allele origin: not applicable. Functional consequence: retained intron. Not counted in ClinVar's aggregate classification.

Dr. Peter K. Rogan Lab, Western University
No classification provided (evidence only). Condition: Sarcoma. Review status: no classification provided. Collection method: in vitro. Allele origin: not applicable. Functional consequence: retained intron. Not counted in ClinVar's aggregate classification.

Dr. Peter K. Rogan Lab, Western University
No classification provided (evidence only). Condition: Malignant tumor of esophagus. Review status: no classification provided. Collection method: in vitro. Allele origin: not applicable. Functional consequence: retained intron. Not counted in ClinVar's aggregate classification.

Dr. Peter K. Rogan Lab, Western University
No classification provided (evidence only). Condition: Malignant tumor of esophagus. Review status: no classification provided. Collection method: in vitro. Allele origin: not applicable. Functional consequence: retained intron. Not counted in ClinVar's aggregate classification.

Dr. Peter K. Rogan Lab, Western University
No classification provided (evidence only). Condition: Malignant tumor of esophagus. Review status: no classification provided. Collection method: in vitro. Allele origin: not applicable. Functional consequence: retained intron. Not counted in ClinVar's aggregate classification.

Dr. Peter K. Rogan Lab, Western University
No classification provided (evidence only). Condition: Malignant tumor of esophagus. Review status: no classification provided. Collection method: in vitro. Allele origin: not applicable. Functional consequence: retained intron. Not counted in ClinVar's aggregate classification.